The following is an entry in ClinVar:

NM_000051.4(ATM):c.841G>T (p.Glu281Ter)

Gene: ATM (ATM serine/threonine kinase; plus strand). Cytogenetic location: 11q22.3.
Variant type: single nucleotide variant.
Coding change: c.841G>T on transcript NM_000051.4 (MANE Select); coding-DNA position 841, G replaced by T.
Protein change: p.Glu281Ter; replaces glutamic acid 281 with a stop codon.
Molecular consequence: nonsense.
Genome position (GRCh38, 1-based): chr11:108,244,966, G>T. VCF-style: chr11-108244966-G-T. GRCh37 (hg19) VCF-style: chr11-108115693-G-T.
Other names: c.841G>T, p.Glu281Ter (NM_001351834.2); short protein forms E281*.
Identifiers: ClinVar variation 853201 (VCV000853201.9), dbSNP rs1591504491, ClinGen allele CA382529458.

ClinVar aggregate classification (germline): Pathogenic. Review status: criteria provided, multiple submitters, no conflicts (2 of 4 stars). 2 submissions from 2 submitters: Pathogenic (2). Last evaluated 2025-06-17.

Conditions:
Hereditary cancer-predisposing syndrome. Also called: Tumor predisposition; Neoplastic Syndromes, Hereditary; Hereditary Cancer Syndrome; Hereditary neoplastic syndrome. Identifiers: Orphanet 140162, MedGen C0027672, MeSH D009386, MONDO:0015356.
Ataxia-telangiectasia syndrome (AT). Also called: ATAXIA-TELANGIECTASIA, COMPLEMENTATION GROUP A; ATAXIA-TELANGIECTASIA, FRESNO VARIANT; Ataxia-telangiectasia; Ataxia-telangiectasia, complementation group D; AT, COMPLEMENTATION GROUP C; Ataxia-telangiectasia, complementation group E. Identifiers: Orphanet 100, MedGen C0004135, MONDO:0008840, OMIM 208900.

Submissions (2):

Ambry Genetics
Classification: Pathogenic for Hereditary cancer-predisposing syndrome. Last evaluated: 2025-06-17. Review status: criteria provided, single submitter. Criteria: Ambry Variant Classification Scheme 2023. Collection method: clinical testing. Allele origin: germline.
Comment: The p.E281* pathogenic mutation (also known as c.841G>T), located in coding exon 6 of the ATM gene, results from a G to T substitution at nucleotide position 841. This changes the amino acid from a glutamic acid to a stop codon within coding exon 6. This variant is considered to be rare based on population cohorts in the Genome Aggregation Database (gnomAD). This alteration is expected to result in loss of function by premature protein truncation or nonsense-mediated mRNA decay. As such, this alteration is interpreted as a disease-causing mutation.

Labcorp Genetics (formerly Invitae), Labcorp
Classification: Pathogenic for Ataxia-telangiectasia syndrome. Last evaluated: 2023-08-17. Review status: criteria provided, single submitter. Criteria: Invitae Variant Classification Sherloc (09022015). Collection method: clinical testing. Allele origin: germline.
Comment: ClinVar contains an entry for this variant (Variation ID: 853201). For these reasons, this variant has been classified as Pathogenic. This sequence change creates a premature translational stop signal (p.Glu281*) in the ATM gene. It is expected to result in an absent or disrupted protein product. Loss-of-function variants in ATM are known to be pathogenic (PMID: 23807571, 25614872). This variant is not present in population databases (gnomAD no frequency). This variant has not been reported in the literature in individuals affected with ATM-related conditions.

Literature cited by the submitters: PubMed 23807571 (cited by Labcorp Genetics (formerly Invitae), Labcorp); PubMed 25614872 (cited by Labcorp Genetics (formerly Invitae), Labcorp).